The following is an entry in ClinVar:

NM_007118.4(TRIO):c.3067-8del

Gene: TRIO (trio Rho guanine nucleotide exchange factor; plus strand). Cytogenetic location: 5p15.2.
Variant type: Deletion.
Coding change: c.3067-8del on transcript NM_007118.4 (MANE Select); 8 bases into the intron before coding-DNA position 3067, one base deleted (G; older notation c.3067-8delG).
Molecular consequence: intron variant.
Genome position (GRCh38, 1-based): chr5:14,369,366, G deleted. VCF-style (leftmost placement, unchanged base first): chr5-14369365-TG-T. GRCh37 (hg19) VCF-style: chr5-14369474-TG-T.
Other names: c.3067-8delG (NM_007118.3).
Identifiers: ClinVar variation 1198871 (VCV001198871.3), dbSNP rs745948610, ClinGen allele CA3206082.

ClinVar aggregate classification (germline): Likely benign. Review status: criteria provided, single submitter (1 of 4 stars). 2 submissions from 2 submitters: Likely benign (1). 1 of the submissions does not count toward it. Last evaluated 2020-03-30.

Conditions:
TRIO-related disorder. Also called: TRIO-related disorders; TRIO-related condition.

Allele frequency attached by ClinVar (database versions not stated): gnomAD exomes 0.00002 and 0.00007; ExAC 0.00010; gnomAD 0.00027 and 0.00028; TOPMed 0.00027; ESP Exome Variant Server 0.00040.

Submissions (2):

GeneDx
Classification: Likely benign. Last evaluated: 2020-03-30. Review status: criteria provided, single submitter. Criteria: GeneDx Variant Classification Process June 2021. Collection method: clinical testing. Allele origin: germline. Affected: yes.

PreventionGenetics, part of Exact Sciences
Classification: Likely benign for TRIO-related condition. Last evaluated: 2024-04-13. Review status: no assertion criteria provided. Collection method: clinical testing. Allele origin: germline. Not counted in ClinVar's aggregate classification.
Comment: This variant is classified as likely benign based on ACMG/AMP sequence variant interpretation guidelines (Richards et al. 2015 PMID: 25741868, with internal and published modifications).